The following is an entry in ClinVar:

NM_177438.3(DICER1):c.1907+3A>G

Gene: DICER1 (dicer 1, ribonuclease III; minus strand). Cytogenetic location: 14q32.13.
Variant type: single nucleotide variant.
Coding change: c.1907+3A>G on transcript NM_177438.3 (MANE Select); 3 bases into the intron after coding-DNA position 1907, A replaced by G.
Molecular consequence: intron variant.
Genome position (GRCh38, 1-based): chr14:95,115,664, T>C on the plus strand (A>G on the coding strand, the complement: DICER1 is on the minus strand). VCF-style: chr14-95115664-T-C. GRCh37 (hg19) VCF-style: chr14-95582001-T-C.
Other names: c.1907+3A>G (NM_001291628.2, NM_030621.4, NM_001271282.3 and 1 more transcripts).
Identifiers: ClinVar variation 576104 (VCV000576104.15), dbSNP rs759764582, ClinGen allele CA7331373.
Genomic context (GRCh38, chr14:95,115,664, plus strand): 5'-CAGGTTTAGACTTAAACTGTGCAACATTCCCAGGTTTTCCACACAAATGATATGATGCCA[T>C]ACCTATTGATGTGTCCAATGGCCGTGTTGATTGTGACTCGTGGACCACCATCGTCAGGCC-3'

ClinVar aggregate classification (germline): Conflicting classifications of pathogenicity. Review status: criteria provided, conflicting classifications (1 of 4 stars). 4 submissions from 4 submitters: Uncertain significance (3); Likely benign (1). Last evaluated 2025-12-29.

Conditions:
Global developmental delay - lung cysts - overgrowth - Wilms tumor syndrome. Also called: GLOW Syndrome; GLOBAL DEVELOPMENTAL DELAY, LUNG CYSTS, OVERGROWTH, AND WILMS TUMOR. Identifiers: Orphanet 404476, MedGen C4748924, MONDO:0018445, OMIM 618272.
DICER1-related tumor predisposition. Also called: DICER1 syndrome; DICER1-related pleuropulmonary blastoma cancer predisposition syndrome. Identifiers: Orphanet 284343, MedGen C3839822, MONDO:0100216.
Hereditary cancer-predisposing syndrome. Also called: Hereditary neoplastic syndrome; Tumor predisposition; Hereditary Cancer Syndrome; Neoplastic Syndromes, Hereditary. Identifiers: Orphanet 140162, MedGen C0027672, MeSH D009386, MONDO:0015356.

Allele frequency attached by ClinVar (database versions not stated): gnomAD exomes 0.00001; ExAC 0.00002.
gnomAD v4.1: 6 of 1,614,104 alleles (0.00037%); highest among the groups gnomAD compares: South Asian, 0.0066%; no homozygotes.

Submissions (4):

Center for Genomic Medicine, Rigshospitalet, Copenhagen University Hospital
Classification: Uncertain significance. Last evaluated: 2025-12-29. Review status: criteria provided, single submitter. Criteria: ACMG Guidelines, 2015. Collection method: clinical testing. Allele origin: germline.

Labcorp Genetics (formerly Invitae), Labcorp
Classification: Likely benign for DICER1-related tumor predisposition. Last evaluated: 2025-07-31. Review status: criteria provided, single submitter. Criteria: Invitae Variant Classification Sherloc (09022015). Collection method: clinical testing. Allele origin: germline.

Ambry Genetics
Classification: Uncertain significance for Hereditary cancer-predisposing syndrome. Last evaluated: 2024-09-23. Review status: criteria provided, single submitter. Criteria: Ambry Variant Classification Scheme 2023. Collection method: clinical testing. Allele origin: germline.
Comment: The c.1907+3A>G intronic variant results from an A to G substitution 3 nucleotides after coding exon 10 in the DICER1 gene. This nucleotide position is not well conserved in available vertebrate species. In silico splice site analysis for this alteration is inconclusive. Based on the available evidence, the clinical significance of this variant remains unclear.

Baylor Genetics
Classification: Uncertain significance for Global developmental delay - lung cysts - overgrowth - Wilms tumor syndrome. Last evaluated: 2023-03-15. Review status: criteria provided, single submitter. Criteria: ACMG Guidelines, 2015. Collection method: clinical testing. Allele origin: unknown.